The following is an entry in ClinVar:

ClinVar aggregate classification (germline): Pathogenic. Review status: reviewed by expert panel (3 of 4 stars). 3 submissions from 3 submitters: Pathogenic (1). 2 of the submissions do not count toward it. Last evaluated 2016-09-08.

Conditions:
Hereditary cancer-predisposing syndrome. Also called: Tumor predisposition; Hereditary neoplastic syndrome; Hereditary Cancer Syndrome; Neoplastic Syndromes, Hereditary. Identifiers: Orphanet 140162, MedGen C0027672, MeSH D009386, MONDO:0015356.
Breast-ovarian cancer, familial, susceptibility to, 1 (BROVCA1). Also called: BRCA1 Hereditary Breast and Ovarian Cancer; OVARIAN CANCER, SUSCEPTIBILITY TO. Identifiers: Orphanet 145, MedGen C2676676, MONDO:0011450, OMIM 604370. Disease mechanism: loss of function.

Submissions (3):

Evidence-based Network for the Interpretation of Germline Mutant Alleles (ENIGMA)
Classification: Pathogenic for Breast-ovarian cancer, familial, susceptibility to, 1. Last evaluated: 2016-09-08. Review status: reviewed by expert panel. Criteria: ENIGMA BRCA1/2 Classification Criteria (2015). Collection method: curation. Allele origin: germline.
Comment: Variant allele predicted to encode a truncated non-functional protein.

Baylor Genetics
Classification: Pathogenic for Breast-ovarian cancer, familial, susceptibility to, 1. Last evaluated: 2023-12-18. Review status: criteria provided, single submitter. Criteria: ACMG Guidelines, 2015. Collection method: clinical testing. Allele origin: unknown. Not counted in ClinVar's aggregate classification.

Ambry Genetics
Classification: Pathogenic for Hereditary cancer-predisposing syndrome. Last evaluated: 2016-03-18. Review status: criteria provided, single submitter. Criteria: Ambry Autosomal Dominant and X-Linked criteria (10/2015). Collection method: clinical testing. Allele origin: germline. Observed: 1 variant allele. Not counted in ClinVar's aggregate classification.
Comment: The c.4655dupA pathogenic mutation, located in coding exon 13 of the BRCA1 gene, results from a duplication of A at nucleotide position 4655, causing a translational frameshift with a predicted alternate stop codon. Since frameshifts are typically deleterious in nature, this alteration is interpreted as a disease-causing mutation (ACMG Recommendations for Standards for Interpretation and Reporting of Sequence Variations. Revision 2007. Genet Med. 2008;10:294).

NM_007294.4(BRCA1):c.4655dup (p.Tyr1552Ter)

Gene: BRCA1 (BRCA1 DNA repair associated; minus strand). Cytogenetic location: 17q21.31.
Variant type: Duplication.
Coding change: c.4655dup on transcript NM_007294.4 (MANE Select); coding-DNA position 4655, one base duplicated (A; older notation c.4655dupA).
Protein change: p.Tyr1552Ter; replaces tyrosine 1552 with a stop codon.
Molecular consequence: nonsense. On other transcripts: frameshift variant (363), non-coding transcript variant (1).
Genome position (GRCh38, 1-based): chr17:43,074,351, T duplicated on the plus strand (A on the coding strand, the reverse complement: BRCA1 is on the minus strand). VCF-style (leftmost placement, unchanged base first): chr17-43074350-G-GT. GRCh37 (hg19) VCF-style: chr17-41226367-G-GT.
Other names: c.4655dupA (NM_007294.3); c.4316dup, p.Tyr1439Terfs (NM_001407958.1, NM_001407956.1, NM_001407957.1); c.4274dup, p.Tyr1425Terfs (NM_001407959.1); c.4271dup, p.Tyr1424Terfs (NM_001407960.1, NM_001407962.1); c.4268dup, p.Tyr1423Terfs (NM_001407963.1); c.4148dup, p.Tyr1383Terfs (NM_001407965.1); c.3767dup, p.Tyr1256Terfs (NM_001407966.1); c.3764dup, p.Tyr1255Terfs (NM_001407967.1); and 72 more; short protein forms Y1505*, Y1552*, Y448*, Y1573*.
Identifiers: ClinVar variation 141960 (VCV000141960.7), dbSNP rs587782143, ClinGen allele CA166927.